The following is an entry in ClinVar:

NM_002661.5(PLCG2):c.158C>T (p.Ala53Val)

Gene: PLCG2 (phospholipase C gamma 2; plus strand). Cytogenetic location: 16q23.3.
Variant type: single nucleotide variant.
Coding change: c.158C>T on transcript NM_002661.5 (MANE Select); coding-DNA position 158, C replaced by T.
Protein change: p.Ala53Val; replaces alanine 53 with valine.
Molecular consequence: missense variant.
Genome position (GRCh38, 1-based): chr16:81,786,147, C>T. VCF-style: chr16-81786147-C-T. GRCh37 (hg19) VCF-style: chr16-81819752-C-T.
Other names: c.158C>T, p.Ala53Val (NM_001425749.1, NM_001425750.1, NM_001425751.1); short protein forms A53V.
Identifiers: ClinVar variation 3650950 (VCV003650950.2).

ClinVar aggregate classification (germline): Uncertain significance (1 of 4 stars; one submission).

Conditions:
Familial cold autoinflammatory syndrome 3 (FCAS3). Also called: ANTIBODY DEFICIENCY AND IMMUNE DYSREGULATION, PLCG2-ASSOCIATED; FAMILIAL ATYPICAL COLD URTICARIA. Identifiers: Orphanet 300359, MedGen C3280914, MONDO:0013766, OMIM 614468.

gnomAD v4.1: 1 of 1,614,008 alleles (0.000062%); highest among the groups gnomAD compares: Admixed American, 0.0017%; no homozygotes.

Submission:

Labcorp Genetics (formerly Invitae), Labcorp
Classification: Uncertain significance for Familial cold autoinflammatory syndrome 3. Last evaluated: 2024-04-25. Review status: criteria provided, single submitter. Criteria: Invitae Variant Classification Sherloc (09022015). Collection method: clinical testing. Allele origin: germline.
Comment: This sequence change replaces alanine, which is neutral and non-polar, with valine, which is neutral and non-polar, at codon 53 of the PLCG2 protein (p.Ala53Val). This variant is not present in population databases (gnomAD no frequency). This variant has not been reported in the literature in individuals affected with PLCG2-related conditions. An algorithm developed to predict the effect of missense changes on protein structure and function (PolyPhen-2) suggests that this variant is likely to be disruptive. In summary, the available evidence is currently insufficient to determine the role of this variant in disease. Therefore, it has been classified as a Variant of Uncertain Significance.